The following is an entry in ClinVar:

NM_004329.3(BMPR1A):c.755A>G (p.Lys252Arg)

Gene: BMPR1A (bone morphogenetic protein receptor type 1A; plus strand). Cytogenetic location: 10q23.2.
Variant type: single nucleotide variant.
Coding change: c.755A>G on transcript NM_004329.3 (MANE Select); coding-DNA position 755, A replaced by G.
Protein change: p.Lys252Arg; replaces lysine 252 with arginine.
Molecular consequence: missense variant.
Genome position (GRCh38, 1-based): chr10:86,917,213, A>G. VCF-style: chr10-86917213-A-G. GRCh37 (hg19) VCF-style: chr10-88676970-A-G.
Other names: short protein forms K252R.
Identifiers: ClinVar variation 529926 (VCV000529926.15), dbSNP rs1554890769, ClinGen allele CA377457604.

ClinVar aggregate classification (germline): Uncertain significance. Review status: criteria provided, multiple submitters, no conflicts (2 of 4 stars). 3 submissions from 3 submitters: Uncertain significance (3). Last evaluated 2024-09-10.

Conditions:
Juvenile polyposis syndrome (JPS). Identifiers: Orphanet 2929, MedGen C0345893, MONDO:0017380, OMIM 174900.
Hereditary cancer-predisposing syndrome. Also called: Neoplastic Syndromes, Hereditary; Hereditary neoplastic syndrome; Tumor predisposition; Hereditary Cancer Syndrome. Identifiers: Orphanet 140162, MedGen C0027672, MeSH D009386, MONDO:0015356.

Allele frequency attached by ClinVar (database versions not stated): gnomAD exomes below 0.00001.
gnomAD v4.1: 4 of 1,614,074 alleles (0.00025%); highest among the groups gnomAD compares: Non-Finnish European, 0.00034%; no homozygotes.

Submissions (3):

Labcorp Genetics (formerly Invitae), Labcorp
Classification: Uncertain significance for Juvenile polyposis syndrome. Last evaluated: 2024-09-10. Review status: criteria provided, single submitter. Criteria: Invitae Variant Classification Sherloc (09022015). Collection method: clinical testing. Allele origin: germline.
Comment: This sequence change replaces lysine, which is basic and polar, with arginine, which is basic and polar, at codon 252 of the BMPR1A protein (p.Lys252Arg). This variant is not present in population databases (gnomAD no frequency). This variant has not been reported in the literature in individuals affected with BMPR1A-related conditions. ClinVar contains an entry for this variant (Variation ID: 529926). Invitae Evidence Modeling incorporating data from in vitro experimental studies (internal data) indicates that this missense variant is not expected to disrupt BMPR1A function with a negative predictive value of 95%. In summary, the available evidence is currently insufficient to determine the role of this variant in disease. Therefore, it has been classified as a Variant of Uncertain Significance.

GeneDx
Classification: Uncertain significance. Last evaluated: 2024-01-25. Review status: criteria provided, single submitter. Criteria: GeneDx Variant Classification Process June 2021. Collection method: clinical testing. Allele origin: germline. Affected: yes.
Comment: Not observed at significant frequency in large population cohorts (gnomAD); In silico analysis supports that this missense variant does not alter protein structure/function; Has not been previously published as pathogenic or benign to our knowledge

Ambry Genetics
Classification: Uncertain significance for Hereditary cancer-predisposing syndrome. Last evaluated: 2021-08-10. Review status: criteria provided, single submitter. Criteria: Ambry Variant Classification Scheme 2023. Collection method: clinical testing. Allele origin: germline.
Comment: The p.K252R variant (also known as c.755A>G), located in coding exon 7 of the BMPR1A gene, results from an A to G substitution at nucleotide position 755. The lysine at codon 252 is replaced by arginine, an amino acid with highly similar properties. This amino acid position is not well conserved in available vertebrate species. In addition, this alteration is predicted to be tolerated by in silico analysis. Since supporting evidence is limited at this time, the clinical significance of this alteration remains unclear.